The following is an entry in ClinVar:

NM_030755.5(TMX1):c.474A>C (p.Leu158=)

Gene: TMX1 (thioredoxin related transmembrane protein 1; plus strand). Cytogenetic location: 14q22.1.
Variant type: single nucleotide variant.
Coding change: c.474A>C on transcript NM_030755.5 (MANE Select); coding-DNA position 474, A replaced by C.
Protein change: p.Leu158=; no amino-acid change (leucine 158 retained).
Molecular consequence: synonymous variant.
Genome position (GRCh38, 1-based): chr14:51,249,356, A>C. VCF-style: chr14-51249356-A-C. GRCh37 (hg19) VCF-style: chr14-51716074-A-C.
Identifiers: ClinVar variation 2602892 (VCV002602892.26), dbSNP rs199795843, ClinGen allele CA7184709.

ClinVar aggregate classification (germline): Likely benign. Review status: criteria provided, multiple submitters, no conflicts (2 of 4 stars). 2 submissions from 2 submitters: Likely benign (2). Last evaluated 2026-02-01.

Allele frequency attached by ClinVar (database versions not stated): ExAC 0.00024; ESP Exome Variant Server 0.00128.
gnomAD v4.1: 1,571 of 1,608,010 alleles (0.098%); highest among the groups gnomAD compares: Non-Finnish European, 0.12%; 1 homozygote.

Submissions (2):

CeGaT Center for Human Genetics Tuebingen
Classification: Likely benign. Last evaluated: 2026-02-01. Review status: criteria provided, single submitter. Criteria: CeGaT Center For Human Genetics Tuebingen Variant Classification Criteria Version 2. Collection method: clinical testing. Allele origin: germline. Affected: yes. Observed: 2 variant alleles.
Comment: TMX1: BP4, BP7

Ambry Genetics
Classification: Likely benign. Last evaluated: 2023-07-31. Review status: criteria provided, single submitter. Criteria: Ambry Variant Classification Scheme 2023. Collection method: clinical testing. Allele origin: germline.